The following is an entry in ClinVar:

NM_005909.5(MAP1B):c.138C>G (p.Ile46Met)

Gene: MAP1B (microtubule associated protein 1B; plus strand). Cytogenetic location: 5q13.2.
Variant type: single nucleotide variant.
Coding change: c.138C>G on transcript NM_005909.5 (MANE Select); coding-DNA position 138, C replaced by G.
Protein change: p.Ile46Met; replaces isoleucine 46 with methionine.
Molecular consequence: missense variant.
Genome position (GRCh38, 1-based): chr5:72,107,669, C>G. VCF-style: chr5-72107669-C-G. GRCh37 (hg19) VCF-style: chr5-71403496-C-G.
Other names: short protein forms I46M.
Identifiers: ClinVar variation 3357468 (VCV003357468.1).

ClinVar aggregate classification (germline): Uncertain significance (0 of 4 stars; one submission).

Conditions:
MAP1B-related disorder. Also called: MAP1B-related condition.

gnomAD v4.1: 2 of 1,600,066 alleles (0.00012%); highest among the groups gnomAD compares: Admixed American, 0.0017%; no homozygotes.

Submission:

PreventionGenetics, part of Exact Sciences
Classification: Uncertain significance for MAP1B-related condition. Last evaluated: 2024-09-01. Review status: no assertion criteria provided. Collection method: clinical testing. Allele origin: germline.
Comment: The MAP1B c.138C>G variant is predicted to result in the amino acid substitution p.Ile46Met. To our knowledge, this variant has not been reported in the literature. This variant is reported in 0.0029% of alleles in individuals of Latino descent in gnomAD. At this time, the clinical significance of this variant is uncertain due to the absence of conclusive functional and genetic evidence.